The following is an entry in ClinVar:

ClinVar aggregate classification (germline): Uncertain significance. Review status: criteria provided, multiple submitters, no conflicts (2 of 4 stars). 2 submissions from 2 submitters: Uncertain significance (2). Last evaluated 2024-10-12.

Conditions:
Hereditary cancer-predisposing syndrome. Also called: Tumor predisposition; Hereditary Cancer Syndrome; Neoplastic Syndromes, Hereditary; Hereditary neoplastic syndrome. Identifiers: Orphanet 140162, MedGen C0027672, MeSH D009386, MONDO:0015356.

Submissions (2):

Ambry Genetics
Classification: Uncertain significance for Hereditary cancer-predisposing syndrome. Last evaluated: 2024-10-12. Review status: criteria provided, single submitter. Criteria: Ambry Variant Classification Scheme 2023. Collection method: clinical testing. Allele origin: germline.
Comment: The p.I14M variant (also known as c.42T>G), located in coding exon 1 of the BRCA2 gene, results from a T to G substitution at nucleotide position 42. The isoleucine at codon 14 is replaced by methionine, an amino acid with highly similar properties. This amino acid position is conserved. In addition, this alteration is predicted to be tolerated by in silico analysis. Based on the available evidence, the clinical significance of this variant remains unclear.

Color Diagnostics, LLC DBA Color Health
Classification: Uncertain significance for Hereditary cancer-predisposing syndrome. Last evaluated: 2021-03-15. Review status: criteria provided, single submitter. Criteria: ACMG Guidelines, 2015. Collection method: clinical testing. Allele origin: germline.
Comment: This missense variant replaces isoleucine with methionine at codon 14 of the BRCA2 protein. Computational prediction suggests that this variant may not impact protein structure and function (internally defined REVEL score threshold <= 0.5, PMID: 27666373). To our knowledge, functional studies have not been reported for this variant. This variant has not been reported in individuals affected with hereditary cancer in the literature. This variant has not been identified in the general population by the Genome Aggregation Database (gnomAD). The available evidence is insufficient to determine the role of this variant in disease conclusively. Therefore, this variant is classified as a Variant of Uncertain Significance.

NM_000059.4(BRCA2):c.42T>G (p.Ile14Met)

Gene: BRCA2 (BRCA2 DNA repair associated; plus strand). Cytogenetic location: 13q13.1.
Variant type: single nucleotide variant.
Coding change: c.42T>G on transcript NM_000059.4 (MANE Select); coding-DNA position 42, T replaced by G.
Protein change: p.Ile14Met; replaces isoleucine 14 with methionine.
Molecular consequence: missense variant.
Genome position (GRCh38, 1-based): chr13:32,316,502, T>G. VCF-style: chr13-32316502-T-G. GRCh37 (hg19) VCF-style: chr13-32890639-T-G.
Other names: short protein forms I14M.
Identifiers: ClinVar variation 1331801 (VCV001331801.3), dbSNP rs2138698375, ClinGen allele CA387753032.
Genomic context (GRCh38, chr13:32,316,502, plus strand): 5'-AGGAATATCGTAGGTAAAAATGCCTATTGGATCCAAAGAGAGGCCAACATTTTTTGAAAT[T>G]TTTAAGACACGCTGCAACAAAGCAGGTATTGACAAATTTTATATAACTTTATAAATTACA-3'
Protein context (NP_000050.3, residues 4-24): GSKERPTFFE[Ile14Met]FKTRCNKADL